The following is an entry in ClinVar:

NM_000455.5(STK11):c.141dup (p.Lys48fs)

Gene: STK11 (serine/threonine kinase 11; plus strand). Cytogenetic location: 19p13.3.
Variant type: Duplication.
Coding change: c.141dup on transcript NM_000455.5 (MANE Select); coding-DNA position 141, one base duplicated (C; older notation c.141dupC).
Protein change: p.Lys48fs; shifts the reading frame from lysine 48.
Molecular consequence: frameshift variant.
Genome position (GRCh38, 1-based): chr19:1,207,054, C duplicated. VCF-style (leftmost placement, unchanged base first): chr19-1207053-G-GC. GRCh37 (hg19) VCF-style: chr19-1207052-G-GC.
Other names: short protein forms K48fs.
Identifiers: ClinVar variation 1370402 (VCV001370402.8), dbSNP rs2145405118, ClinGen allele CA2573155838.

ClinVar aggregate classification (germline): Pathogenic/Likely pathogenic. Review status: criteria provided, multiple submitters, no conflicts (2 of 4 stars). 2 submissions from 2 submitters: Pathogenic (1); Likely pathogenic (1). Last evaluated 2025-03-16.

Conditions:
Peutz-Jeghers syndrome (PJS). Also called: Peutz-Jeghers polyposis; Periorificial lentiginosis syndrome; POLYPOSIS, HAMARTOMATOUS INTESTINAL; POLYPS-AND-SPOTS SYNDROME. Identifiers: Orphanet 2869, MedGen C0031269, MeSH D010580, MONDO:0008280, OMIM 175200.

Submissions (2):

Labcorp Genetics (formerly Invitae), Labcorp
Classification: Pathogenic for Peutz-Jeghers syndrome. Last evaluated: 2025-03-16. Review status: criteria provided, single submitter. Criteria: Invitae Variant Classification Sherloc (09022015). Collection method: clinical testing. Allele origin: germline.
Comment: This sequence change creates a premature translational stop signal (p.Lys48Glnfs*115) in the STK11 gene. It is expected to result in an absent or disrupted protein product. Loss-of-function variants in STK11 are known to be pathogenic (PMID: 15188174, 16287113). This variant is not present in population databases (gnomAD no frequency). This variant has not been reported in the literature in individuals affected with STK11-related conditions. ClinVar contains an entry for this variant (Variation ID: 1370402). For these reasons, this variant has been classified as Pathogenic.

MGZ Medical Genetics Center
Classification: Likely pathogenic for Peutz-Jeghers syndrome. Last evaluated: 2022-08-09. Review status: criteria provided, single submitter. Criteria: ACMG Guidelines, 2015. Collection method: clinical testing. Allele origin: germline. Affected: yes. Observed: 1 variant allele.
Comment: ACMG criteria applied: PVS1, PM2_SUP

Literature cited by the submitters: PubMed 15188174 (cited by Labcorp Genetics (formerly Invitae), Labcorp); PubMed 16287113 (cited by Labcorp Genetics (formerly Invitae), Labcorp).